The following is an entry in ClinVar:

NM_006277.3(ITSN2):c.1427G>A (p.Arg476Lys)

Gene: ITSN2 (intersectin 2; minus strand). Cytogenetic location: 2p23.3.
Variant type: single nucleotide variant.
Coding change: c.1427G>A on transcript NM_006277.3 (MANE Select); coding-DNA position 1427, G replaced by A.
Protein change: p.Arg476Lys; replaces arginine 476 with lysine.
Molecular consequence: missense variant.
Genome position (GRCh38, 1-based): chr2:24,298,732, C>T on the plus strand (G>A on the coding strand, the complement: ITSN2 is on the minus strand). VCF-style: chr2-24298732-C-T. GRCh37 (hg19) VCF-style: chr2-24521601-C-T.
Other names: c.1385G>A, p.Arg462Lys (NM_001348181.2, NM_001348184.2); c.1427G>A, p.Arg476Lys (NM_001348182.2, NM_001348183.2, NM_001348185.2 and 3 more transcripts); c.1427G>A (NM_006277.2); short protein forms R462K, R476K.
Identifiers: ClinVar variation 2049865 (VCV002049865.5), dbSNP rs763568544, ClinGen allele CA1551483.
Genomic context (GRCh38, chr2:24,298,732, plus strand): 5'-TCCAACTCAAGATGAAGATTCTTCTTTTTAGAGTTTAACCTGACAATTTCTTCTTGTTCT[C>T]TATTCTTTTGATTGAGAAGCTCCTGTCGCCGAATTCTCTCCCATTCTAAGCGACGTTGTC-3'
Protein context (NP_006268.2, residues 466-486): RRQELLNQKN[Arg476Lys]EQEEIVRLNS

ClinVar aggregate classification (germline): Uncertain significance. Review status: criteria provided, multiple submitters, no conflicts (2 of 4 stars). 2 submissions from 2 submitters: Uncertain significance (2). Last evaluated 2025-02-06.

Allele frequency attached by ClinVar (database versions not stated): gnomAD 0.00003; TOPMed 0.00008; gnomAD exomes 0.00009; ExAC 0.00013.
gnomAD v4.1: 55 of 1,612,396 alleles (0.0034%); highest among the groups gnomAD compares: Admixed American, 0.092%; no homozygotes.

Submissions (2):

Labcorp Genetics (formerly Invitae), Labcorp
Classification: Uncertain significance. Last evaluated: 2025-02-06. Review status: criteria provided, single submitter. Criteria: Invitae Variant Classification Sherloc (09022015). Collection method: clinical testing. Allele origin: germline.
Comment: This sequence change replaces arginine, which is basic and polar, with lysine, which is basic and polar, at codon 476 of the ITSN2 protein (p.Arg476Lys). This variant is present in population databases (rs763568544, gnomAD 0.1%), and has an allele count higher than expected for a pathogenic variant. This variant has not been reported in the literature in individuals affected with ITSN2-related conditions. ClinVar contains an entry for this variant (Variation ID: 2049865). Experimental studies and prediction algorithms are not available or were not evaluated, and the functional significance of this variant is currently unknown. In summary, the available evidence is currently insufficient to determine the role of this variant in disease. Therefore, it has been classified as a Variant of Uncertain Significance.

Ambry Genetics
Classification: Uncertain significance. Last evaluated: 2024-12-04. Review status: criteria provided, single submitter. Criteria: Ambry Variant Classification Scheme 2023. Collection method: clinical testing. Allele origin: germline.